The following is an entry in ClinVar:

NM_170606.3(KMT2C):c.10756A>G (p.Thr3586Ala)

Gene: KMT2C (lysine methyltransferase 2C; minus strand). Cytogenetic location: 7q36.1.
Variant type: single nucleotide variant.
Coding change: c.10756A>G on transcript NM_170606.3 (MANE Select); coding-DNA position 10756, A replaced by G.
Protein change: p.Thr3586Ala; replaces threonine 3586 with alanine.
Molecular consequence: missense variant.
Genome position (GRCh38, 1-based): chr7:152,162,821, T>C on the plus strand (A>G on the coding strand, the complement: KMT2C is on the minus strand). VCF-style: chr7-152162821-T-C. GRCh37 (hg19) VCF-style: chr7-151859906-T-C.
Other names: short protein forms T3586A.
Identifiers: ClinVar variation 4822628 (VCV004822628.4).

ClinVar aggregate classification (germline): Uncertain significance (1 of 4 stars; one submission).

gnomAD v4.1: 1 of 1,614,184 alleles (0.000062%); highest among the groups gnomAD compares: Non-Finnish European, 0.000085%; no homozygotes.

Submission:

CeGaT Center for Human Genetics Tuebingen
Classification: Uncertain significance. Last evaluated: 2026-01-01. Review status: criteria provided, single submitter. Criteria: CeGaT Center For Human Genetics Tuebingen Variant Classification Criteria Version 2. Collection method: clinical testing. Allele origin: germline. Affected: yes. Observed: 1 variant allele.
Comment: KMT2C: PM2, BP4